The following is an entry in ClinVar:

ClinVar aggregate classification (germline): Uncertain significance (1 of 4 stars; one submission).

Submission:

Mayo Clinic Laboratories, Mayo Clinic
Classification: Uncertain significance. Last evaluated: 2024-08-14. Review status: criteria provided, single submitter. Criteria: ACMG Guidelines, 2015. Collection method: clinical testing. Allele origin: germline. Observed: 1 variant allele.
Comment: PM2, PM3

Literature cited by the submitters: PubMed 36757831.

NM_000113.3(TOR1A):c.788T>C (p.Ile263Thr)

Gene: TOR1A (torsin family 1 member A; minus strand). Cytogenetic location: 9q34.11.
Variant type: single nucleotide variant.
Coding change: c.788T>C on transcript NM_000113.3 (MANE Select); coding-DNA position 788, T replaced by C.
Protein change: p.Ile263Thr; replaces isoleucine 263 with threonine.
Molecular consequence: missense variant.
Genome position (GRCh38, 1-based): chr9:129,814,183, A>G on the plus strand (T>C on the coding strand, the complement: TOR1A is on the minus strand). VCF-style: chr9-129814183-A-G. GRCh37 (hg19) VCF-style: chr9-132576462-A-G.
Other names: p.Ile263Thr; short protein forms I263T.
Identifiers: ClinVar variation 3379905 (VCV003379905.1).